The following is an entry in ClinVar:

NM_006947.4(SRP72):c.788T>C (p.Leu263Pro)

Gene: SRP72 (signal recognition particle 72; plus strand). Cytogenetic location: 4q12.
Variant type: single nucleotide variant.
Coding change: c.788T>C on transcript NM_006947.4 (MANE Select); coding-DNA position 788, T replaced by C.
Protein change: p.Leu263Pro; replaces leucine 263 with proline.
Molecular consequence: missense variant. On other transcripts: non-coding transcript variant (1), intron variant (1).
Genome position (GRCh38, 1-based): chr4:56,478,612, T>C. VCF-style: chr4-56478612-T-C. GRCh37 (hg19) VCF-style: chr4-57344778-T-C.
Other names: c.642+1910T>C (NM_001267722.2); short protein forms L263P.
Identifiers: ClinVar variation 5030251 (VCV005030251.1).
Genomic context (GRCh38, chr4:56,478,612, plus strand): 5'-AAAGGTTTGTTTGGTTTTGACTGTTGCTTGTTGTTCACAGACCAACAGATGTGGGATTAC[T>C]AGCTGTAATTGCAAATAACATCATTACCATTAACAAGGTATGGAGTATTTGTGCTTTCCA-3'
Protein context (NP_008878.3, residues 253-273): IKLKPTDVGL[Leu263Pro]AVIANNIITI

ClinVar aggregate classification (germline): Uncertain significance (1 of 4 stars; one submission).

Submission:

Ambry Genetics
Classification: Uncertain significance. Last evaluated: 2026-08-17. Review status: criteria provided, single submitter. Criteria: Ambry Variant Classification Scheme 2023. Collection method: clinical testing. Allele origin: germline.
Comment: The p.L263P variant (also known as c.788T>C), located in coding exon 8 of the SRP72 gene, results from a T to C substitution at nucleotide position 788. The leucine at codon 263 is replaced by proline, an amino acid with similar properties. This amino acid position is conserved. In addition, the in silico prediction for this alteration is inconclusive. Based on the available evidence, the clinical significance of this variant remains unclear.